The following is an entry in ClinVar:

ClinVar aggregate classification (germline): Uncertain significance (1 of 4 stars; one submission).

Allele frequency attached by ClinVar (database versions not stated): gnomAD exomes below 0.00001; TOPMed 0.00003.
gnomAD v4.1: 6 of 1,613,884 alleles (0.00037%); highest among the groups gnomAD compares: Non-Finnish European, 0.00025%; no homozygotes.

Submission:

Labcorp Genetics (formerly Invitae), Labcorp
Classification: Uncertain significance. Last evaluated: 2022-03-17. Review status: criteria provided, single submitter. Criteria: Invitae Variant Classification Sherloc (09022015). Collection method: clinical testing. Allele origin: germline.
Comment: This sequence change replaces isoleucine, which is neutral and non-polar, with valine, which is neutral and non-polar, at codon 717 of the ABCA4 protein (p.Ile717Val). This variant is present in population databases (no rsID available, gnomAD 0.004%). This variant has not been reported in the literature in individuals affected with ABCA4-related conditions. Advanced modeling of protein sequence and biophysical properties (such as structural, functional, and spatial information, amino acid conservation, physicochemical variation, residue mobility, and thermodynamic stability) performed at Invitae indicates that this missense variant is not expected to disrupt ABCA4 protein function. Algorithms developed to predict the effect of sequence changes on RNA splicing suggest that this variant may create or strengthen a splice site. In summary, the available evidence is currently insufficient to determine the role of this variant in disease. Therefore, it has been classified as a Variant of Uncertain Significance.

NM_000350.3(ABCA4):c.2149A>G (p.Ile717Val)

Gene: ABCA4 (ATP binding cassette subfamily A member 4; minus strand). Cytogenetic location: 1p22.1.
Variant type: single nucleotide variant.
Coding change: c.2149A>G on transcript NM_000350.3 (MANE Select); coding-DNA position 2149, A replaced by G.
Protein change: p.Ile717Val; replaces isoleucine 717 with valine.
Molecular consequence: missense variant.
Genome position (GRCh38, 1-based): chr1:94,060,548, T>C on the plus strand (A>G on the coding strand, the complement: ABCA4 is on the minus strand). VCF-style: chr1-94060548-T-C. GRCh37 (hg19) VCF-style: chr1-94526104-T-C.
Other names: c.2149A>G, p.Ile717Val (NM_001425324.1); short protein forms I717V.
Identifiers: ClinVar variation 1409632 (VCV001409632.5), dbSNP rs1345184930, ClinGen allele CA341278435.